The following is an entry in ClinVar:

NM_144997.7(FLCN):c.107A>T (p.Glu36Val)

Gene: FLCN (folliculin; minus strand). Cytogenetic location: 17p11.2.
Variant type: single nucleotide variant.
Coding change: c.107A>T on transcript NM_144997.7 (MANE Select); coding-DNA position 107, A replaced by T.
Protein change: p.Glu36Val; replaces glutamic acid 36 with valine.
Molecular consequence: missense variant.
Genome position (GRCh38, 1-based): chr17:17,228,031, T>A on the plus strand (A>T on the coding strand, the complement: FLCN is on the minus strand). VCF-style: chr17-17228031-T-A. GRCh37 (hg19) VCF-style: chr17-17131345-T-A.
Other names: c.107A>T, p.Glu36Val (NM_001353229.2, NM_001353230.2, NM_001353231.2 and 1 more transcripts); short protein forms E36V.
Identifiers: ClinVar variation 3279028 (VCV003279028.1).

ClinVar aggregate classification (germline): Uncertain significance (1 of 4 stars; one submission).

Conditions:
Hereditary cancer-predisposing syndrome. Also called: Tumor predisposition; Hereditary Cancer Syndrome; Hereditary neoplastic syndrome; Neoplastic Syndromes, Hereditary. Identifiers: Orphanet 140162, MedGen C0027672, MeSH D009386, MONDO:0015356.

Submission:

Ambry Genetics
Classification: Uncertain significance for Hereditary cancer-predisposing syndrome. Last evaluated: 2024-05-03. Review status: criteria provided, single submitter. Criteria: Ambry Variant Classification Scheme 2023. Collection method: clinical testing. Allele origin: germline.
Comment: The p.E36V variant (also known as c.107A>T), located in coding exon 1 of the FLCN gene, results from an A to T substitution at nucleotide position 107. The glutamic acid at codon 36 is replaced by valine, an amino acid with dissimilar properties. This amino acid position is conserved. In addition, the in silico prediction for this alteration is inconclusive. Based on the available evidence, the clinical significance of this variant remains unclear.